The following is an entry in ClinVar:

NM_004793.4(LONP1):c.1925C>T (p.Thr642Met)

Gene: LONP1 (lon peptidase 1, mitochondrial; minus strand). Cytogenetic location: 19p13.3.
Variant type: single nucleotide variant.
Coding change: c.1925C>T on transcript NM_004793.4 (MANE Select); coding-DNA position 1925, C replaced by T.
Protein change: p.Thr642Met; replaces threonine 642 with methionine.
Molecular consequence: missense variant. On other transcripts: non-coding transcript variant (1).
Genome position (GRCh38, 1-based): chr19:5,696,142, G>A on the plus strand (C>T on the coding strand, the complement: LONP1 is on the minus strand). VCF-style: chr19-5696142-G-A. GRCh37 (hg19) VCF-style: chr19-5696153-G-A.
Other names: c.1733C>T, p.Thr578Met (NM_001276479.2); c.1337C>T, p.Thr446Met (NM_001276480.1); short protein forms T642M, T446M, T578M.
Identifiers: ClinVar variation 1030839 (VCV001030839.12), dbSNP rs371606894, ClinGen allele CA9114390.

ClinVar aggregate classification (germline): Conflicting classifications of pathogenicity. Review status: criteria provided, conflicting classifications (1 of 4 stars). 5 submissions from 5 submitters: Uncertain significance (4); Likely benign (1). Last evaluated 2026-08-21.

Conditions:
LONP1-related disorder. Also called: LONP1-related disorders; LONP1-related condition.
CODAS syndrome. Also called: CEREBRAL, OCULAR, DENTAL, AURICULAR, AND SKELETAL ANOMALIES SYNDROME. Identifiers: Orphanet 1458, MedGen C1838180, MONDO:0010879, OMIM 600373.

Allele frequency attached by ClinVar (database versions not stated): ESP Exome Variant Server 0.00015; gnomAD 0.00019; TOPMed 0.00029.
gnomAD v4.1: 115 of 1,612,950 alleles (0.0071%); highest among the groups gnomAD compares: Middle Eastern, 0.099%; no homozygotes.

Submissions (5):

PreventionGenetics, part of Exact Sciences
Classification: Uncertain significance for LONP1-related condition. Last evaluated: 2026-08-21. Review status: criteria provided, single submitter. Criteria: ACMG Guidelines, 2015. Collection method: clinical testing. Allele origin: germline.
Comment: The LONP1 c.1925C>T variant is predicted to result in the amino acid substitution p.Thr642Met. To our knowledge, this variant has not been reported in the literature. This variant is reported in 0.048% of alleles in individuals of African descent in gnomAD. At this time, the clinical significance of this variant is uncertain due to the absence of conclusive functional and genetic evidence.

Labcorp Genetics (formerly Invitae), Labcorp
Classification: Likely benign. Last evaluated: 2025-10-01. Review status: criteria provided, single submitter. Criteria: Invitae Variant Classification Sherloc (09022015). Collection method: clinical testing. Allele origin: germline.

GeneDx
Classification: Uncertain significance. Last evaluated: 2025-09-17. Review status: criteria provided, single submitter. Criteria: GeneDx Variant Classification Process June 2021. Collection method: clinical testing. Allele origin: germline.
Comment: In silico analysis suggests that this missense variant does not alter protein structure/function; Has not been previously reported as a pathogenic or benign germline variant to our knowledge; This variant is associated with the following publications: (PMID: 27149842)

3billion
Classification: Uncertain significance for CODAS syndrome. Last evaluated: 2022-01-03. Review status: criteria provided, single submitter. Criteria: ACMG Guidelines, 2015. Collection method: clinical testing. Allele origin: germline. Affected: yes. Observed: 1 heterozygote.
Comment: The variant observed at an extremely low frequency in the gnomAD v2.1.1 dataset (total allele frequency: 0.000082, PM2_M). In silico tool predictions suggest damaging effect of the variant on gene or gene product (REVEL: 0.617, PP3_P). A missense variant is a common mechanism associated with CODAS syndrome (PP2_P). Therefore, this variant is classified as uncertain significance according to the recommendation of ACMG/AMP guideline.

Baylor Genetics
Classification: Uncertain significance for CODAS syndrome. Last evaluated: 2019-10-21. Review status: criteria provided, single submitter. Criteria: ACMG Guidelines, 2015. Collection method: clinical testing. Allele origin: unknown. Affected: yes.
Comment: This variant was determined to be of uncertain significance according to ACMG Guidelines, 2015 [PMID:25741868].